The following is an entry in ClinVar:

NM_015378.4(VPS13D):c.8093C>T (p.Ala2698Val)

Gene: VPS13D (vacuolar protein sorting 13 homolog D; plus strand). Cytogenetic location: 1p36.22.
Variant type: single nucleotide variant.
Coding change: c.8093C>T on transcript NM_015378.4 (MANE Select); coding-DNA position 8093, C replaced by T.
Protein change: p.Ala2698Val; replaces alanine 2698 with valine.
Molecular consequence: missense variant.
Genome position (GRCh38, 1-based): chr1:12,327,750, C>T. VCF-style: chr1-12327750-C-T. GRCh37 (hg19) VCF-style: chr1-12387807-C-T.
Other names: c.8093C>T, p.Ala2698Val (NM_018156.4); c.8093C>T (NM_015378.3); short protein forms A2698V.
Identifiers: ClinVar variation 2160086 (VCV002160086.6), dbSNP rs143572864, ClinGen allele CA603007.

ClinVar aggregate classification (germline): Uncertain significance. Review status: criteria provided, multiple submitters, no conflicts (2 of 4 stars). 3 submissions from 3 submitters: Uncertain significance (3). Last evaluated 2026-04-01.

Allele frequency attached by ClinVar (database versions not stated): ExAC 0.00005; TOPMed 0.00007; ESP Exome Variant Server 0.00008; gnomAD 0.00009.
gnomAD v4.1: 120 of 1,613,976 alleles (0.0074%); highest among the groups gnomAD compares: Admixed American, 0.012%; no homozygotes.

Submissions (3):

CeGaT Center for Human Genetics Tuebingen
Classification: Uncertain significance. Last evaluated: 2026-04-01. Review status: criteria provided, single submitter. Criteria: CeGaT Center For Human Genetics Tuebingen Variant Classification Criteria Version 2. Collection method: clinical testing. Allele origin: germline. Affected: yes. Observed: 1 variant allele.
Comment: VPS13D: PM2, BP4

Labcorp Genetics (formerly Invitae), Labcorp
Classification: Uncertain significance. Last evaluated: 2024-10-26. Review status: criteria provided, single submitter. Criteria: Invitae Variant Classification Sherloc (09022015). Collection method: clinical testing. Allele origin: germline.
Comment: This sequence change replaces alanine, which is neutral and non-polar, with valine, which is neutral and non-polar, at codon 2698 of the VPS13D protein (p.Ala2698Val). This variant is present in population databases (rs143572864, gnomAD 0.02%). This variant has not been reported in the literature in individuals affected with VPS13D-related conditions. ClinVar contains an entry for this variant (Variation ID: 2160086). Invitae Evidence Modeling of protein sequence and biophysical properties (such as structural, functional, and spatial information, amino acid conservation, physicochemical variation, residue mobility, and thermodynamic stability) indicates that this missense variant is not expected to disrupt VPS13D protein function with a negative predictive value of 80%. In summary, the available evidence is currently insufficient to determine the role of this variant in disease. Therefore, it has been classified as a Variant of Uncertain Significance.

GeneDx
Classification: Uncertain significance. Last evaluated: 2023-08-28. Review status: criteria provided, single submitter. Criteria: GeneDx Variant Classification Process June 2021. Collection method: clinical testing. Allele origin: germline. Affected: yes.
Comment: In silico analysis supports that this missense variant does not alter protein structure/function; Has not been previously published as pathogenic or benign to our knowledge